The following is an entry in ClinVar:

NM_152419.3(HGSNAT):c.*8C>T

Gene: HGSNAT (heparan-alpha-glucosaminide N-acetyltransferase; plus strand). Cytogenetic location: 8p11.21.
Variant type: single nucleotide variant.
Coding change: c.*8C>T on transcript NM_152419.3 (MANE Select); 8 bases downstream of the stop codon, C replaced by T.
Molecular consequence: 3 prime UTR variant.
Genome position (GRCh38, 1-based): chr8:43,199,577, C>T. VCF-style: chr8-43199577-C-T. GRCh37 (hg19) VCF-style: chr8-43054720-C-T.
Other names: c.*8C>T (NM_001363227.2, NM_001363228.2, NM_001363229.2).
Identifiers: ClinVar variation 3039246 (VCV003039246.2), dbSNP rs755533080, ClinGen allele CA4737046.

ClinVar aggregate classification (germline): Likely benign (0 of 4 stars; one submission).

Conditions:
HGSNAT-related disorder. Also called: HGSNAT-related condition.

Allele frequency attached by ClinVar (database versions not stated): gnomAD 0.00002; gnomAD exomes 0.00006; ExAC 0.00008.
gnomAD v4.1: 76 of 1,529,364 alleles (0.005%); highest among the groups gnomAD compares: South Asian, 0.1%; no homozygotes.

Submission:

PreventionGenetics, part of Exact Sciences
Classification: Likely benign for HGSNAT-related condition. Last evaluated: 2019-05-20. Review status: no assertion criteria provided. Collection method: clinical testing. Allele origin: germline.
Comment: This variant is classified as likely benign based on ACMG/AMP sequence variant interpretation guidelines (Richards et al. 2015 PMID: 25741868, with internal and published modifications).